The following is an entry in ClinVar:

NM_001482.3(GATM):c.49G>T (p.Val17Leu)

Genes: GATM (glycine amidinotransferase; minus strand), LOC130056991 (ATAC-STARR-seq lymphoblastoid silent region 6406; plus strand). Cytogenetic location: 15q21.1.
Variant type: single nucleotide variant.
Coding change: c.49G>T on transcript NM_001482.3 (MANE Select); coding-DNA position 49, G replaced by T.
Protein change: p.Val17Leu; replaces valine 17 with leucine.
Molecular consequence: missense variant. On other transcripts: intron variant (1).
Genome position (GRCh38, 1-based): chr15:45,378,405, C>A on the plus strand (G>T on the coding strand, the complement: GATM is on the minus strand). VCF-style: chr15-45378405-C-A. GRCh37 (hg19) VCF-style: chr15-45670603-C-A.
Other names: c.-318-1586G>T (NM_001321015.2); c.49G>T (NM_001482.2); short protein forms V17L.
Identifiers: ClinVar variation 2177839 (VCV002177839.4), dbSNP rs746749338, ClinGen allele CA270174375.

ClinVar aggregate classification (germline): Uncertain significance. Review status: criteria provided, multiple submitters, no conflicts (2 of 4 stars). 2 submissions from 2 submitters: Uncertain significance (2). Last evaluated 2024-11-06.

Conditions:
Arginine:glycine amidinotransferase deficiency (CCDS3). Also called: Creatine deficiency syndrome due to AGAT deficiency; GATM deficiency; AGAT deficiency; L-Arginine:Glycine Amidinotransferase Deficiency; L-Arginine:Glycine Amidinotransferase (AGAT) Deficiency; Cerebral creatine deficiency syndrome 3. Identifiers: Orphanet 35704, MedGen C2675179, MONDO:0012996, OMIM 612718.
Inborn genetic diseases. Identifiers: MedGen C0950123, MeSH D030342.

Allele frequency attached by ClinVar (database versions not stated): TOPMed 0.00001.

Submissions (2):

Labcorp Genetics (formerly Invitae), Labcorp
Classification: Uncertain significance for Arginine:glycine amidinotransferase deficiency. Last evaluated: 2024-11-06. Review status: criteria provided, single submitter. Criteria: Invitae Variant Classification Sherloc (09022015). Collection method: clinical testing. Allele origin: germline.
Comment: This sequence change replaces valine, which is neutral and non-polar, with leucine, which is neutral and non-polar, at codon 17 of the GATM protein (p.Val17Leu). This variant is not present in population databases (gnomAD no frequency). This variant has not been reported in the literature in individuals affected with GATM-related conditions. ClinVar contains an entry for this variant (Variation ID: 2177839). Invitae Evidence Modeling of protein sequence and biophysical properties (such as structural, functional, and spatial information, amino acid conservation, physicochemical variation, residue mobility, and thermodynamic stability) indicates that this missense variant is not expected to disrupt GATM protein function with a negative predictive value of 95%. In summary, the available evidence is currently insufficient to determine the role of this variant in disease. Therefore, it has been classified as a Variant of Uncertain Significance.

Ambry Genetics
Classification: Uncertain significance for Inborn genetic diseases. Last evaluated: 2022-05-06. Review status: criteria provided, single submitter. Criteria: Ambry Variant Classification Scheme 2023. Collection method: clinical testing. Allele origin: germline.